The following is an entry in ClinVar:

NM_000787.4(DBH):c.1804C>T (p.Arg602Ter)

Gene: DBH (dopamine beta-hydroxylase; plus strand). Cytogenetic location: 9q34.2.
Variant type: single nucleotide variant.
Coding change: c.1804C>T on transcript NM_000787.4 (MANE Select); coding-DNA position 1804, C replaced by T.
Protein change: p.Arg602Ter; replaces arginine 602 with a stop codon.
Molecular consequence: nonsense.
Genome position (GRCh38, 1-based): chr9:133,658,397, C>T. VCF-style: chr9-133658397-C-T. GRCh37 (hg19) VCF-style: chr9-136523519-C-T.
Other names: short protein forms R602*.
Identifiers: ClinVar variation 449010 (VCV000449010.7), dbSNP rs775827929, ClinGen allele CA5313716.
Genomic context (GRCh38, chr9:133,658,397, plus strand): 5'-CTGCCCAAGGTCATCTCCACACTGGAAGAGCCCACCCCACAGTGCCCCACCAGCCAGGGC[C>T]GAAGCCCTGCTGGCCCCACCGTTGTCAGCATTGGTGGGGGCAAAGGCTGAGGGGGGACCT-3'

ClinVar aggregate classification (germline): Uncertain significance. Review status: criteria provided, multiple submitters, no conflicts (2 of 4 stars). 3 submissions from 3 submitters: Uncertain significance (3). Last evaluated 2026-07-27.

Conditions:
DBH-related disorder. Also called: DBH-related condition.
Orthostatic hypotension 1 (ORTHYP1). Also called: NORADRENALINE DEFICIENCY; NOREPINEPHRINE DEFICIENCY; Dopamine beta-hydroxylase deficiency; Orthostatic hypotension 1, due to DBH deficiency. Identifiers: Orphanet 230, MedGen C4746777, MONDO:0009123, OMIM 223360.

Allele frequency attached by ClinVar (database versions not stated): TOPMed 0.00004; gnomAD 0.00005 and 0.00006.
gnomAD v4.1: 44 of 1,613,622 alleles (0.0027%); highest among the groups gnomAD compares: East Asian, 0.0067%; no homozygotes.

Submissions (3):

PreventionGenetics, part of Exact Sciences
Classification: Uncertain significance for DBH-related condition. Last evaluated: 2026-07-27. Review status: criteria provided, single submitter. Criteria: ACMG Guidelines, 2015. Collection method: clinical testing. Allele origin: germline.
Comment: The DBH c.1804C>T variant is predicted to result in premature protein termination (p.Arg602*). To our knowledge, this variant has not been reported in the literature. This variant is reported in 0.025% of alleles in individuals of East Asian descent in gnomAD. At this time, the clinical significance of this variant is uncertain due to the absence of conclusive functional and genetic evidence.

Labcorp Genetics (formerly Invitae), Labcorp
Classification: Uncertain significance for Orthostatic hypotension 1. Last evaluated: 2024-10-15. Review status: criteria provided, single submitter. Criteria: Invitae Variant Classification Sherloc (09022015). Collection method: clinical testing. Allele origin: germline.
Comment: This sequence change creates a premature translational stop signal (p.Arg602*) in the DBH gene. While this is not anticipated to result in nonsense mediated decay, it is expected to disrupt the last 16 amino acid(s) of the DBH protein. This variant is present in population databases (rs775827929, gnomAD 0.03%). This variant has not been reported in the literature in individuals affected with DBH-related conditions. ClinVar contains an entry for this variant (Variation ID: 449010). Experimental studies and prediction algorithms are not available or were not evaluated, and the functional significance of this variant is currently unknown. In summary, the available evidence is currently insufficient to determine the role of this variant in disease. Therefore, it has been classified as a Variant of Uncertain Significance.

GeneDx
Classification: Uncertain significance. Last evaluated: 2017-09-04. Review status: criteria provided, single submitter. Criteria: GeneDx Variant Classification (06012015). Collection method: clinical testing. Allele origin: germline. Affected: yes.
Comment: The R602X variant in the DBH gene has not been reported previously as a pathogenic variant nor as a benign variant, to our knowledge. This variant is predicted to cause loss of normal protein function through protein truncation. The R602X variant is not observed at a significant frequency in large population cohorts (Lek et al., 2016; 1000 Genomes Consortium et al., 2015; Exome Variant Server). We interpret R602X as a variant of uncertain significance.